The following is an entry in ClinVar:

NM_006361.6(HOXB13):c.598G>A (p.Ala200Thr)

Gene: HOXB13 (homeobox B13; minus strand). Cytogenetic location: 17q21.32.
Variant type: single nucleotide variant.
Coding change: c.598G>A on transcript NM_006361.6 (MANE Select); coding-DNA position 598, G replaced by A.
Protein change: p.Ala200Thr; replaces alanine 200 with threonine.
Molecular consequence: missense variant.
Genome position (GRCh38, 1-based): chr17:48,727,996, C>T on the plus strand (G>A on the coding strand, the complement: HOXB13 is on the minus strand). VCF-style: chr17-48727996-C-T. GRCh37 (hg19) VCF-style: chr17-46805358-C-T.
Other names: short protein forms A200T.
Identifiers: ClinVar variation 1750889 (VCV001750889.6), dbSNP rs750945370, ClinGen allele CA400107100.

ClinVar aggregate classification (germline): Uncertain significance. Review status: criteria provided, multiple submitters, no conflicts (2 of 4 stars). 2 submissions from 2 submitters: Uncertain significance (2). Last evaluated 2024-10-23.

Conditions:
Hereditary cancer-predisposing syndrome. Also called: Hereditary Cancer Syndrome; Hereditary neoplastic syndrome; Neoplastic Syndromes, Hereditary; Tumor predisposition. Identifiers: Orphanet 140162, MedGen C0027672, MeSH D009386, MONDO:0015356.

Submissions (2):

Labcorp Genetics (formerly Invitae), Labcorp
Classification: Uncertain significance. Last evaluated: 2024-10-23. Review status: criteria provided, single submitter. Criteria: Invitae Variant Classification Sherloc (09022015). Collection method: clinical testing. Allele origin: germline.
Comment: This sequence change replaces alanine, which is neutral and non-polar, with threonine, which is neutral and polar, at codon 200 of the HOXB13 protein (p.Ala200Thr). This variant is not present in population databases (gnomAD no frequency). This variant has not been reported in the literature in individuals affected with HOXB13-related conditions. ClinVar contains an entry for this variant (Variation ID: 1750889). Invitae Evidence Modeling of protein sequence and biophysical properties (such as structural, functional, and spatial information, amino acid conservation, physicochemical variation, residue mobility, and thermodynamic stability) indicates that this missense variant is not expected to disrupt HOXB13 protein function with a negative predictive value of 80%. In summary, the available evidence is currently insufficient to determine the role of this variant in disease. Therefore, it has been classified as a Variant of Uncertain Significance.

Ambry Genetics
Classification: Uncertain significance for Hereditary cancer-predisposing syndrome. Last evaluated: 2023-04-05. Review status: criteria provided, single submitter. Criteria: Ambry Variant Classification Scheme 2023. Collection method: clinical testing. Allele origin: germline.
Comment: The p.A200T variant (also known as c.598G>A), located in coding exon 1 of the HOXB13 gene, results from a G to A substitution at nucleotide position 598. The alanine at codon 200 is replaced by threonine, an amino acid with similar properties. This amino acid position is not well conserved in available vertebrate species. In addition, this alteration is predicted to be tolerated by in silico analysis. Since supporting evidence is limited at this time, the clinical significance of this alteration remains unclear.